The following is an entry in ClinVar:

ClinVar aggregate classification (germline): Uncertain significance (1 of 4 stars; one submission).

Conditions:
Periodic fever-infantile enterocolitis-autoinflammatory syndrome. Also called: Autoinflammation with infantile enterocolitis. Identifiers: Orphanet 436166, MedGen C4015067, MONDO:0014472, OMIM 616050.
Familial cold autoinflammatory syndrome 4 (FCAS4). Identifiers: Orphanet 47045, Orphanet 576349, MedGen C4015276, MONDO:0014498, OMIM 616115.

gnomAD v4.1: 1 of 1,614,222 alleles (0.000062%); highest among the groups gnomAD compares: Non-Finnish European, 0.000085%; no homozygotes.

Submission:

Labcorp Genetics (formerly Invitae), Labcorp
Classification: Uncertain significance for Periodic fever-infantile enterocolitis-autoinflammatory syndrome; Familial cold autoinflammatory syndrome 4. Last evaluated: 2024-05-22. Review status: criteria provided, single submitter. Criteria: Invitae Variant Classification Sherloc (09022015). Collection method: clinical testing. Allele origin: germline.
Comment: This sequence change replaces arginine, which is basic and polar, with glycine, which is neutral and non-polar, at codon 691 of the NLRC4 protein (p.Arg691Gly). This variant is not present in population databases (gnomAD no frequency). This variant has not been reported in the literature in individuals affected with NLRC4-related conditions. ClinVar contains an entry for this variant (Variation ID: 1525635). Advanced modeling of protein sequence and biophysical properties (such as structural, functional, and spatial information, amino acid conservation, physicochemical variation, residue mobility, and thermodynamic stability) performed at Invitae indicates that this missense variant is expected to disrupt NLRC4 protein function with a positive predictive value of 80%. In summary, the available evidence is currently insufficient to determine the role of this variant in disease. Therefore, it has been classified as a Variant of Uncertain Significance.

NM_001199138.2(NLRC4):c.2071A>G (p.Arg691Gly)

Gene: NLRC4 (NLR family CARD domain containing 4; minus strand). Cytogenetic location: 2p22.3.
Variant type: single nucleotide variant.
Coding change: c.2071A>G on transcript NM_001199138.2 (MANE Select); coding-DNA position 2071, A replaced by G.
Protein change: p.Arg691Gly; replaces arginine 691 with glycine.
Molecular consequence: missense variant. On other transcripts: intron variant (1).
Genome position (GRCh38, 1-based): chr2:32,249,793, T>C on the plus strand (A>G on the coding strand, the complement: NLRC4 is on the minus strand). VCF-style: chr2-32249793-T-C. GRCh37 (hg19) VCF-style: chr2-32474862-T-C.
Other names: c.2071A>G, p.Arg691Gly (NM_001199139.2, NM_021209.5); c.262+2626A>G (NM_001302504.1); short protein forms R691G.
Identifiers: ClinVar variation 1525635 (VCV001525635.8), dbSNP rs2148941671, ClinGen allele CA346511067.